The following is an entry in ClinVar:

NM_001164277.2(SLC37A4):c.704T>C (p.Val235Ala)

Gene: SLC37A4 (solute carrier family 37 member 4; minus strand). Cytogenetic location: 11q23.3.
Variant type: single nucleotide variant.
Coding change: c.704T>C on transcript NM_001164277.2 (MANE Select); coding-DNA position 704, T replaced by C.
Protein change: p.Val235Ala; replaces valine 235 with alanine.
Molecular consequence: missense variant.
Genome position (GRCh38, 1-based): chr11:119,027,017, A>G on the plus strand (T>C on the coding strand, the complement: SLC37A4 is on the minus strand). VCF-style: chr11-119027017-A-G. GRCh37 (hg19) VCF-style: chr11-118897727-A-G.
Other names: c.704T>C, p.Val235Ala (NM_001164278.2, NM_001164280.2, NM_001467.6); c.485T>C, p.Val162Ala (NM_001164279.2); short protein forms V162A, V235A.
Identifiers: ClinVar variation 5004870 (VCV005004870.1).

ClinVar aggregate classification (germline): Uncertain significance (1 of 4 stars; one submission).

Conditions:
Glycogen storage disease, type I. Identifiers: Orphanet 364, MedGen C0017920, MONDO:0002413.

Submission:

Myriad Genetics, Inc.
Classification: Uncertain significance for Glycogen storage disease, type I. Last evaluated: 2026-08-24. Review status: criteria provided, single submitter. Criteria: Myriad Autosomal Dominant, Autosomal Recessive and X-Linked Classification Criteria (2023). Collection method: clinical testing. Allele origin: unknown.
Comment: NM_001164277.1(SLC37A4):c.704T>C(V235A) is a missense variant classified as a variant of uncertain significance in the context of glycogen storage disease type Ib. V235A has not been observed in cases with relevant disease. Relevant functional assessments of this variant are not available in the literature. V235A has not been observed in referenced population frequency databases. In summary, there is insufficient evidence to classify NM_001164277.1(SLC37A4):c.704T>C(V235A) as pathogenic or benign. Please note: this variant was assessed in the context of healthy population screening.